The following is an entry in ClinVar:

ClinVar aggregate classification (germline): Uncertain significance (1 of 4 stars; one submission).

Conditions:
Dilated cardiomyopathy 1KK (CMD1KK). Identifiers: Orphanet 154, Orphanet 75249, MedGen C3714995, MONDO:0014100, OMIM 615248.

Allele frequency attached by ClinVar (database versions not stated): ExAC 0.00001; gnomAD exomes below 0.00001; TOPMed 0.00001; gnomAD 0.00001; ESP Exome Variant Server 0.00008.
gnomAD v4.1: 7 of 1,614,018 alleles (0.00043%); highest among the groups gnomAD compares: Non-Finnish European, 0.00059%; no homozygotes.

Submission:

Labcorp Genetics (formerly Invitae), Labcorp
Classification: Uncertain significance for Dilated cardiomyopathy 1KK. Last evaluated: 2017-04-16. Review status: criteria provided, single submitter. Criteria: Invitae Variant Classification Sherloc (09022015). Collection method: clinical testing. Allele origin: germline.
Comment: This variant is present in population databases (rs367784440, ExAC 0.002%) but has not been reported in the literature in individuals with a MYPN-related disease. This sequence change replaces proline with leucine at codon 125 of the MYPN protein (p.Pro125Leu). The proline residue is moderately conserved and there is a moderate physicochemical difference between proline and leucine. Algorithms developed to predict the effect of missense changes on protein structure and function output the following: SIFT: "Tolerated"; PolyPhen-2: "Benign"; Align-GVGD: "Class C0". The leucine amino acid residue is found in multiple mammalian species, suggesting that this missense change does not adversely affect protein function. These predictions have not been confirmed by published functional studies. In summary, this variant is a rare missense change that is not predicted to affect protein function. There is no indication that it causes disease, but the available evidence is currently insufficient to prove that conclusively. Therefore, it has been classified as a Variant of Uncertain Significance.

NM_032578.4(MYPN):c.374C>T (p.Pro125Leu)

Gene: MYPN (myopalladin; plus strand). Cytogenetic location: 10q21.3.
Variant type: single nucleotide variant.
Coding change: c.374C>T on transcript NM_032578.4 (MANE Select); coding-DNA position 374, C replaced by T.
Protein change: p.Pro125Leu; replaces proline 125 with leucine.
Molecular consequence: missense variant. On other transcripts: 5 prime UTR variant (1), non-coding transcript variant (1).
Genome position (GRCh38, 1-based): chr10:68,121,812, C>T. VCF-style: chr10-68121812-C-T. GRCh37 (hg19) VCF-style: chr10-69881569-C-T.
Other names: c.374C>T, p.Pro125Leu (NM_001256267.2); c.-749C>T (NM_001256268.2); short protein forms P125L.
Identifiers: ClinVar variation 477759 (VCV000477759.20), dbSNP rs367784440, ClinGen allele CA5522266.